The following is an entry in ClinVar:

NM_000540.3(RYR1):c.8682G>A (p.Leu2894=)

Gene: RYR1 (ryanodine receptor 1; plus strand). Cytogenetic location: 19q13.2.
Variant type: single nucleotide variant.
Coding change: c.8682G>A on transcript NM_000540.3 (MANE Select); coding-DNA position 8682, G replaced by A.
Protein change: p.Leu2894=; no amino-acid change (leucine 2894 retained).
Molecular consequence: synonymous variant.
Genome position (GRCh38, 1-based): chr19:38,506,536, G>A. VCF-style: chr19-38506536-G-A. GRCh37 (hg19) VCF-style: chr19-38997176-G-A.
Other names: c.8682G>A, p.Leu2894= (NM_001042723.2).
Identifiers: ClinVar variation 3071105 (VCV003071105.1), dbSNP rs759923752, ClinGen allele CA072472.

ClinVar aggregate classification (germline): Likely benign (1 of 4 stars; one submission).

Conditions:
Malignant hyperthermia, susceptibility to, 1 (MHS1). Also called: Anesthesia related hyperthermia; Malignant hyperpyrexia; Fulminating hyperpyrexia; Pharmacogenic myopathy; RYR1-Related Malignant Hyperthermia Susceptibility; Malignant hyperthermia suceptibility 1. Identifiers: Orphanet 423, MedGen C2930980, MONDO:0007783, OMIM 145600.

Allele frequency attached by ClinVar (database versions not stated): gnomAD exomes below 0.00001; ExAC 0.00001.
gnomAD v4.1: 3 of 1,613,986 alleles (0.00019%); highest among the groups gnomAD compares: Non-Finnish European, 0.00025%; no homozygotes.

Submission:

All of Us Research Program, National Institutes of Health
Classification: Likely benign for Malignant hyperthermia, susceptibility to, 1. Last evaluated: 2023-05-16. Review status: criteria provided, single submitter. Criteria: ACMG Guidelines, 2015. Collection method: clinical testing. Allele origin: germline. Inheritance: Autosomal dominant inheritance. Observed: 1 variant allele, 1 heterozygote.
Comment: This study involves interpretation of variants in research participants for the purpose of population health screening. Participant phenotype was not available at the time of variant classification. Additional details can be found in publication PMID: 35346344, PMCID: PMC8962531